The following is an entry in ClinVar:

NM_007294.4(BRCA1):c.5043T>A (p.Thr1681=)

Gene: BRCA1 (BRCA1 DNA repair associated; minus strand). Cytogenetic location: 17q21.31.
Variant type: single nucleotide variant.
Coding change: c.5043T>A on transcript NM_007294.4 (MANE Select); coding-DNA position 5043, T replaced by A.
Protein change: p.Thr1681=; no amino-acid change (threonine 1681 retained).
Molecular consequence: synonymous variant. On other transcripts: intron variant (1).
Genome position (GRCh38, 1-based): chr17:43,067,639, A>T on the plus strand (T>A on the coding strand, the complement: BRCA1 is on the minus strand). VCF-style: chr17-43067639-A-T. GRCh37 (hg19) VCF-style: chr17-41219656-A-T.
Other names: c.4830T>A, p.Thr1610= (NM_001407571.1, NM_001407894.1, NM_001407895.1 and 12 more transcripts); c.5109T>A, p.Thr1703= (NM_001407581.1, NM_001407582.1); c.5106T>A, p.Thr1702= (NM_001407583.1, NM_001407585.1, NM_001407587.1 and 1 more transcripts); c.5103T>A, p.Thr1701= (NM_001407590.1, NM_001407591.1); c.5043T>A, p.Thr1681= (NM_001407593.1, NM_001407594.1, NM_001407596.1 and 8 more transcripts); c.5040T>A, p.Thr1680= (NM_001407610.1, NM_001407611.1, NM_001407612.1 and 17 more transcripts); c.5037T>A, p.Thr1679= (NM_001407627.1, NM_001407628.1, NM_001407629.1 and 14 more transcripts); c.5034T>A, p.Thr1678= (NM_001407644.1, NM_001407645.1); and 71 more.
Identifiers: ClinVar variation 864874 (VCV000864874.3), dbSNP rs1567772105, ClinGen allele CA500146335.

Conditions:
Breast-ovarian cancer, familial, susceptibility to, 1 (BROVCA1). Also called: BRCA1 Hereditary Breast and Ovarian Cancer; OVARIAN CANCER, SUSCEPTIBILITY TO. Identifiers: Orphanet 145, MedGen C2676676, MONDO:0011450, OMIM 604370. Disease mechanism: loss of function.

Submission:

Brotman Baty Institute, University of Washington
No classification provided (evidence only). Condition: Breast-ovarian cancer, familial 1. Review status: no classification provided. Collection method: in vitro. Allele origin: not applicable. Functional consequence: functionally_normal.
ClinVar note: "not provided" was previously submitted as the classification for the variant. However, the classification appeared to be based only on an observation of functional data so it was converted to no classification on 2025-07-30.